The following is an entry in ClinVar:

NM_003742.4(ABCB11):c.3334G>A (p.Val1112Ile)

Gene: ABCB11 (ATP binding cassette subfamily B member 11; minus strand). Cytogenetic location: 2q31.1.
Variant type: single nucleotide variant.
Coding change: c.3334G>A on transcript NM_003742.4 (MANE Select); coding-DNA position 3334, G replaced by A.
Protein change: p.Val1112Ile; replaces valine 1112 with isoleucine.
Molecular consequence: missense variant.
Genome position (GRCh38, 1-based): chr2:168,930,742, C>T on the plus strand (G>A on the coding strand, the complement: ABCB11 is on the minus strand). VCF-style: chr2-168930742-C-T. GRCh37 (hg19) VCF-style: chr2-169787252-C-T.
Other names: short protein forms V1112I.
Identifiers: ClinVar variation 4846196 (VCV004846196.1).

ClinVar aggregate classification (germline): Uncertain significance (1 of 4 stars; one submission).

Conditions:
Familial intrahepatic cholestasis. Identifiers: Orphanet 284385, MedGen CN296401, MONDO:0017290.

Submission:

Genomenon, Inc
Classification: Uncertain significance for Familial intrahepatic cholestasis. Last evaluated: 2026-04-14. Review status: criteria provided, single submitter. Criteria: Genomenon Sequence Variant Interpretation Standards - Updated. Collection method: curation. Allele origin: germline. Affected: yes.
Comment: ABCB11 p.Val1112Ile (c.3334G>A) is a missense variant that changes the amino acid at residue 1112 from Valine to Isoleucine. This variant has been observed in at least one proband with an ABCB11-related disorder (PMID:30934130). It is absent or not present at a significant frequency in gnomAD. In silico models predict that this variant is possibly or probably damaging. In conclusion, we classify ABCB11 p.Val1112Ile (c.3334G>A) as a variant of uncertain significance.

Literature cited by the submitters: PubMed 30934130.